The following is an entry in ClinVar:

ClinVar aggregate classification (germline): Uncertain significance (1 of 4 stars; one submission).

Submission:

GeneDx
Classification: Uncertain significance. Last evaluated: 2023-11-21. Review status: criteria provided, single submitter. Criteria: GeneDx Variant Classification Process June 2021. Collection method: clinical testing. Allele origin: germline. Affected: yes.
Comment: Nonsense variant predicted to result in protein truncation or nonsense mediated decay in a gene or region of a gene for which loss of function is not a well-established mechanism of disease; Not observed at significant frequency in large population cohorts (gnomAD); Has not been previously published as pathogenic or benign to our knowledge; Variants in candidate genes are classified as variants of uncertain significance in accordance with ACMG guidelines (PMID: 25741868)

NM_015030.2(FRYL):c.6453C>A (p.Tyr2151Ter)

Gene: FRYL (FRY like transcription coactivator; minus strand). Cytogenetic location: 4p11.
Variant type: single nucleotide variant.
Coding change: c.6453C>A on transcript NM_015030.2 (MANE Select); coding-DNA position 6453, C replaced by A.
Protein change: p.Tyr2151Ter; replaces tyrosine 2151 with a stop codon.
Molecular consequence: nonsense.
Genome position (GRCh38, 1-based): chr4:48,535,768, G>T on the plus strand (C>A on the coding strand, the complement: FRYL is on the minus strand). VCF-style: chr4-48535768-G-T. GRCh37 (hg19) VCF-style: chr4-48537785-G-T.
Other names: short protein forms Y2151*.
Identifiers: ClinVar variation 3364756 (VCV003364756.1).
Genomic context (GRCh38, chr4:48,535,768, plus strand): 5'-CAGGTATCTGCACACGACATTGATCCAGTTAGAACAGTCTCTGGAATACGTGTGTGTACT[G>T]TACAAACTCATCATGTGTGCCAGATTGACAAGTGTTGGGCATTTTTCTTCTGCACAAACC-3'